The following is an entry in ClinVar:

NM_005876.5(SPEG):c.9602T>C (p.Val3201Ala)

Genes: ASIC4-AS1 (ASIC4 antisense RNA 1; minus strand), SPEG (striated muscle enriched protein kinase; plus strand). Cytogenetic location: 2q35.
Variant type: single nucleotide variant.
Coding change: c.9602T>C on transcript NM_005876.5 (MANE Select); coding-DNA position 9602, T replaced by C.
Protein change: p.Val3201Ala; replaces valine 3201 with alanine.
Molecular consequence: missense variant.
Genome position (GRCh38, 1-based): chr2:219,492,251, T>C. VCF-style: chr2-219492251-T-C. GRCh37 (hg19) VCF-style: chr2-220356973-T-C.
Other names: short protein forms V3201A.
Identifiers: ClinVar variation 4173415 (VCV004173415.2).

ClinVar aggregate classification (germline): Uncertain significance. Review status: criteria provided, multiple submitters, no conflicts (2 of 4 stars). 2 submissions from 2 submitters: Uncertain significance (2). Last evaluated 2025-08-20.

Conditions:
Inborn genetic diseases. Identifiers: MedGen C0950123, MeSH D030342.

gnomAD v4.1: 57 of 1,613,136 alleles (0.0035%); highest among the groups gnomAD compares: South Asian, 0.057%; 1 homozygote.

Submissions (2):

Ambry Genetics
Classification: Uncertain significance for Inborn genetic diseases. Last evaluated: 2025-08-20. Review status: criteria provided, single submitter. Criteria: Ambry Variant Classification Scheme 2023. Collection method: clinical testing. Allele origin: germline.

Labcorp Genetics (formerly Invitae), Labcorp
Classification: Uncertain significance. Last evaluated: 2025-02-06. Review status: criteria provided, single submitter. Criteria: Invitae Variant Classification Sherloc (09022015). Collection method: clinical testing. Allele origin: germline.
Comment: This sequence change replaces valine, which is neutral and non-polar, with alanine, which is neutral and non-polar, at codon 3201 of the SPEG protein (p.Val3201Ala). This variant is present in population databases (rs768851335, gnomAD 0.05%), including at least one homozygous and/or hemizygous individual. This variant has not been reported in the literature in individuals affected with SPEG-related conditions. An algorithm developed to predict the effect of missense changes on protein structure and function (PolyPhen-2) suggests that this variant is likely to be tolerated. In summary, the available evidence is currently insufficient to determine the role of this variant in disease. Therefore, it has been classified as a Variant of Uncertain Significance.